The following is an entry in ClinVar:

NM_033400.3(ZFHX2):c.2571C>A (p.Asp857Glu)

Genes: THTPA (thiamine triphosphatase; plus strand), ZFHX2 (zinc finger homeobox 2; minus strand). Cytogenetic location: 14q11.2.
Variant type: single nucleotide variant.
Coding change: c.2571C>A on transcript NM_033400.3 (MANE Select); coding-DNA position 2571, C replaced by A.
Protein change: p.Asp857Glu; replaces aspartic acid 857 with glutamic acid.
Molecular consequence: missense variant.
Genome position (GRCh38, 1-based): chr14:23,531,710, G>T on the plus strand (C>A on the coding strand, the complement: ZFHX2 is on the minus strand). VCF-style: chr14-23531710-G-T. GRCh37 (hg19) VCF-style: chr14-24000919-G-T.
Other names: c.2571C>A (NM_033400.2); short protein forms D857E.
Identifiers: ClinVar variation 2672557 (VCV002672557.24), dbSNP rs557554948, ClinGen allele CA7117060.

ClinVar aggregate classification (germline): Likely benign. Review status: criteria provided, multiple submitters, no conflicts (2 of 4 stars). 2 submissions from 2 submitters: Likely benign (2). Last evaluated 2025-08-01.

Allele frequency attached by ClinVar (database versions not stated): gnomAD 0.00011; TOPMed 0.00013; 1000 Genomes Project 30x 0.00016; 1000 Genomes Project 0.00020.
gnomAD v4.1: 157 of 1,360,520 alleles (0.012%); highest among the groups gnomAD compares: South Asian, 0.13%; no homozygotes.

Submissions (2):

CeGaT Center for Human Genetics Tuebingen
Classification: Likely benign. Last evaluated: 2025-08-01. Review status: criteria provided, single submitter. Criteria: CeGaT Center For Human Genetics Tuebingen Variant Classification Criteria Version 2. Collection method: clinical testing. Allele origin: germline. Affected: yes. Observed: 2 variant alleles.
Comment: ZFHX2: BS1

Ambry Genetics
Classification: Likely benign. Last evaluated: 2024-04-09. Review status: criteria provided, single submitter. Criteria: Ambry Variant Classification Scheme 2023. Collection method: clinical testing. Allele origin: germline.